The following is an entry in ClinVar:

NM_017534.6(MYH2):c.4055A>C (p.Gln1352Pro)

Genes: MYH2 (myosin heavy chain 2; minus strand), MYHAS (myosin heavy chain gene cluster antisense RNA; plus strand). Cytogenetic location: 17p13.1.
Variant type: single nucleotide variant.
Coding change: c.4055A>C on transcript NM_017534.6 (MANE Select); coding-DNA position 4055, A replaced by C.
Protein change: p.Gln1352Pro; replaces glutamine 1352 with proline.
Molecular consequence: missense variant.
Genome position (GRCh38, 1-based): chr17:10,526,731, T>G on the plus strand (A>C on the coding strand, the complement: MYH2 is on the minus strand). VCF-style: chr17-10526731-T-G. GRCh37 (hg19) VCF-style: chr17-10430048-T-G.
Other names: c.4055A>C, p.Gln1352Pro (NM_001100112.2); short protein forms Q1352P.
Identifiers: ClinVar variation 3665498 (VCV003665498.2).

ClinVar aggregate classification (germline): Uncertain significance (1 of 4 stars; one submission).

Conditions:
Myopathy, proximal, and ophthalmoplegia (CMYO6). Also called: MYOPATHY WITH CONGENITAL JOINT CONTRACTURES, OPHTHALMOPLEGIA, AND RIMMED VACUOLES; INCLUSION BODY MYOPATHY 3, AUTOSOMAL DOMINANT; CONGENITAL MYOPATHY 6 WITH OPHTHALMOPLEGIA. Identifiers: Orphanet 363677, Orphanet 79091, MedGen C1854106, MONDO:0011577, OMIM 605637.

Submission:

Labcorp Genetics (formerly Invitae), Labcorp
Classification: Uncertain significance for Myopathy, proximal, and ophthalmoplegia. Last evaluated: 2024-10-22. Review status: criteria provided, single submitter. Criteria: Invitae Variant Classification Sherloc (09022015). Collection method: clinical testing. Allele origin: germline.
Comment: This sequence change replaces glutamine, which is neutral and polar, with proline, which is neutral and non-polar, at codon 1352 of the MYH2 protein (p.Gln1352Pro). This variant is not present in population databases (gnomAD no frequency). This variant has not been reported in the literature in individuals affected with MYH2-related conditions. Invitae Evidence Modeling of protein sequence and biophysical properties (such as structural, functional, and spatial information, amino acid conservation, physicochemical variation, residue mobility, and thermodynamic stability) indicates that this missense variant is expected to disrupt MYH2 protein function with a positive predictive value of 80%. In summary, the available evidence is currently insufficient to determine the role of this variant in disease. Therefore, it has been classified as a Variant of Uncertain Significance.